The following is an entry in ClinVar:

ClinVar aggregate classification (germline): Uncertain significance (1 of 4 stars; one submission).

gnomAD v4.1: 2 of 1,601,656 alleles (0.00012%); highest among the groups gnomAD compares: Non-Finnish European, 0.00017%; no homozygotes.

Submission:

Labcorp Genetics (formerly Invitae), Labcorp
Classification: Uncertain significance. Last evaluated: 2024-04-16. Review status: criteria provided, single submitter. Criteria: Invitae Variant Classification Sherloc (09022015). Collection method: clinical testing. Allele origin: germline.
Comment: This sequence change affects a donor splice site in intron 43 of the MYH7B gene. It is expected to disrupt RNA splicing. Variants that disrupt the donor or acceptor splice site typically lead to a loss of protein function (PMID: 16199547), however the current clinical and genetic evidence is not sufficient to establish whether loss-of-function variants in MYH7B cause disease. The frequency data for this variant in the population databases is considered unreliable, as metrics indicate poor data quality at this position in the gnomAD database. This variant has not been reported in the literature in individuals affected with MYH7B-related conditions. Algorithms developed to predict the effect of sequence changes on RNA splicing suggest that this variant may disrupt the consensus splice site. In summary, the available evidence is currently insufficient to determine the role of this variant in disease. Therefore, it has been classified as a Variant of Uncertain Significance.

Literature cited by the submitters: PubMed 16199547.

NM_020884.7(MYH7B):c.5676+2T>C

Gene: MYH7B (myosin heavy chain 7B; plus strand). Cytogenetic location: 20q11.22.
Variant type: single nucleotide variant.
Coding change: c.5676+2T>C on transcript NM_020884.7 (MANE Select); the canonical splice donor site of the intron after coding-DNA position 5676, T replaced by C.
Molecular consequence: splice donor variant.
Genome position (GRCh38, 1-based): chr20:35,001,528, T>C. VCF-style: chr20-35001528-T-C. GRCh37 (hg19) VCF-style: chr20-33589331-T-C.
Identifiers: ClinVar variation 3650135 (VCV003650135.2).